The following is an entry in ClinVar:

NM_004260.4(RECQL4):c.359G>C (p.Gly120Ala)

Gene: RECQL4 (RecQ like helicase 4; minus strand). Cytogenetic location: 8q24.3.
Variant type: single nucleotide variant.
Coding change: c.359G>C on transcript NM_004260.4 (MANE Select); coding-DNA position 359, G replaced by C.
Protein change: p.Gly120Ala; replaces glycine 120 with alanine.
Molecular consequence: missense variant.
Genome position (GRCh38, 1-based): chr8:144,516,760, C>G on the plus strand (G>C on the coding strand, the complement: RECQL4 is on the minus strand). VCF-style: chr8-144516760-C-G. GRCh37 (hg19) VCF-style: chr8-145742144-C-G.
Other names: short protein forms G120A.
Identifiers: ClinVar variation 661620 (VCV000661620.9), dbSNP rs779891153, ClinGen allele CA187690001.
Genomic context (GRCh38, chr8:144,516,760, plus strand): 5'-GGGGTGGATGCCTTAGATGAGGCTCTTCCTAGAGGCCACGGTCTGCGGCCCAGGGCTGGT[C>G]CGGCCTGGGAGGGGAACAACAGAACAGCAGGAGGAACTCAGGCCCCTGAGCTACTGTAGA-3'
Protein context (NP_004251.4, residues 110-130): KANLKGTLQA[Gly120Ala]PALGRRPWPL

ClinVar aggregate classification (germline): Uncertain significance. Review status: criteria provided, multiple submitters, no conflicts (2 of 4 stars). 2 submissions from 2 submitters: Uncertain significance (2). Last evaluated 2025-08-31.

Conditions:
Baller-Gerold syndrome (BGS). Also called: CRANIOSYNOSTOSIS WITH RADIAL DEFECTS. Identifiers: Orphanet 1225, MedGen C0265308, MONDO:0009039, OMIM 218600.
Inborn genetic diseases. Identifiers: MedGen C0950123, MeSH D030342.

Allele frequency attached by ClinVar (database versions not stated): TOPMed 0.00002.

Submissions (2):

Ambry Genetics
Classification: Uncertain significance for Inborn genetic diseases. Last evaluated: 2025-08-31. Review status: criteria provided, single submitter. Criteria: Ambry Variant Classification Scheme 2023. Collection method: clinical testing. Allele origin: germline.

Labcorp Genetics (formerly Invitae), Labcorp
Classification: Uncertain significance for Baller-Gerold syndrome. Last evaluated: 2025-06-15. Review status: criteria provided, single submitter. Criteria: Invitae Variant Classification Sherloc (09022015). Collection method: clinical testing. Allele origin: germline.
Comment: This sequence change replaces glycine, which is neutral and non-polar, with alanine, which is neutral and non-polar, at codon 120 of the RECQL4 protein (p.Gly120Ala). This variant is not present in population databases (gnomAD no frequency). This variant has not been reported in the literature in individuals affected with RECQL4-related conditions. ClinVar contains an entry for this variant (Variation ID: 661620). Invitae Evidence Modeling of protein sequence and biophysical properties (such as structural, functional, and spatial information, amino acid conservation, physicochemical variation, residue mobility, and thermodynamic stability) indicates that this missense variant is not expected to disrupt RECQL4 protein function with a negative predictive value of 80%. In summary, the available evidence is currently insufficient to determine the role of this variant in disease. Therefore, it has been classified as a Variant of Uncertain Significance.